The following is an entry in ClinVar:

NM_016180.5(SLC45A2):c.1018G>A (p.Asp340Asn)

Gene: SLC45A2 (solute carrier family 45 member 2; minus strand). Cytogenetic location: 5p13.2.
Variant type: single nucleotide variant.
Coding change: c.1018G>A on transcript NM_016180.5 (MANE Select); coding-DNA position 1018, G replaced by A.
Protein change: p.Asp340Asn; replaces aspartic acid 340 with asparagine.
Molecular consequence: missense variant.
Genome position (GRCh38, 1-based): chr5:33,954,375, C>T on the plus strand (G>A on the coding strand, the complement: SLC45A2 is on the minus strand). VCF-style: chr5-33954375-C-T. GRCh37 (hg19) VCF-style: chr5-33954480-C-T.
Other names: c.1018G>A, p.Asp340Asn (NM_001012509.4); c.692G>A, p.Arg231Lys (NM_001297417.4); short protein forms R231K, D340N.
Identifiers: ClinVar variation 1379808 (VCV001379808.6), dbSNP rs1357018037, ClinGen allele CA359390428.

ClinVar aggregate classification (germline): Uncertain significance (1 of 4 stars; one submission).

Allele frequency attached by ClinVar (database versions not stated): gnomAD exomes below 0.00001.
gnomAD v4.1: 1 of 1,614,054 alleles (0.000062%); no homozygotes.

Submission:

Labcorp Genetics (formerly Invitae), Labcorp
Classification: Uncertain significance. Last evaluated: 2022-06-28. Review status: criteria provided, single submitter. Criteria: Invitae Variant Classification Sherloc (09022015). Collection method: clinical testing. Allele origin: germline.
Comment: This variant has not been reported in the literature in individuals affected with SLC45A2-related conditions. In summary, the available evidence is currently insufficient to determine the role of this variant in disease. Therefore, it has been classified as a Variant of Uncertain Significance. Algorithms developed to predict the effect of missense changes on protein structure and function are either unavailable or do not agree on the potential impact of this missense change (SIFT: "Deleterious"; PolyPhen-2: "Probably Damaging"; Align-GVGD: "Class C15"). This variant is not present in population databases (gnomAD no frequency). This sequence change replaces aspartic acid, which is acidic and polar, with asparagine, which is neutral and polar, at codon 340 of the SLC45A2 protein (p.Asp340Asn).